The following is an entry in ClinVar:

ClinVar aggregate classification (germline): Uncertain significance (1 of 4 stars; one submission).

gnomAD v4.1: 1 of 1,614,056 alleles (0.000062%); highest among the groups gnomAD compares: Non-Finnish European, 0.000085%; no homozygotes.

Submission:

GeneDx
Classification: Uncertain significance. Last evaluated: 2024-12-27. Review status: criteria provided, single submitter. Criteria: GeneDx Variant Classification Process June 2021. Collection method: clinical testing. Allele origin: germline. Affected: yes.
Comment: Not observed at significant frequency in large population cohorts (gnomAD); In silico analysis supports that this missense variant has a deleterious effect on protein structure/function; Has not been previously published as pathogenic or benign to our knowledge

NM_000336.3(SCNN1B):c.95A>G (p.Asn32Ser)

Gene: SCNN1B (sodium channel epithelial 1 subunit beta; plus strand). Cytogenetic location: 16p12.2.
Variant type: single nucleotide variant.
Coding change: c.95A>G on transcript NM_000336.3 (MANE Select); coding-DNA position 95, A replaced by G.
Protein change: p.Asn32Ser; replaces asparagine 32 with serine.
Molecular consequence: missense variant.
Genome position (GRCh38, 1-based): chr16:23,348,694, A>G. VCF-style: chr16-23348694-A-G. GRCh37 (hg19) VCF-style: chr16-23360015-A-G.
Other names: c.95A>G, p.Asn32Ser (NM_001410900.1); short protein forms N32S.
Identifiers: ClinVar variation 3907831 (VCV003907831.1).